The following is an entry in ClinVar:

ClinVar aggregate classification (germline): Likely benign (1 of 4 stars; one submission).

Allele frequency attached by ClinVar (database versions not stated): gnomAD exomes below 0.00001.
gnomAD v4.1: 1 of 1,612,892 alleles (0.000062%); highest among the groups gnomAD compares: South Asian, 0.0011%; no homozygotes.

Submission:

CeGaT Center for Human Genetics Tuebingen
Classification: Likely benign. Last evaluated: 2022-05-01. Review status: criteria provided, single submitter. Criteria: CeGaT Center For Human Genetics Tuebingen Variant Classification Criteria Version 2. Collection method: clinical testing. Allele origin: germline. Affected: yes. Observed: 1 variant allele.
Comment: NDUFS7: PM2:Supporting, BP4, BP7

NM_024407.5(NDUFS7):c.396A>G (p.Pro132=)

Gene: NDUFS7 (NADH:ubiquinone oxidoreductase core subunit S7; plus strand). Cytogenetic location: 19p13.3.
Variant type: single nucleotide variant.
Coding change: c.396A>G on transcript NM_024407.5 (MANE Select); coding-DNA position 396, A replaced by G.
Protein change: p.Pro132=; no amino-acid change (proline 132 retained).
Molecular consequence: synonymous variant.
Genome position (GRCh38, 1-based): chr19:1,391,038, A>G. VCF-style: chr19-1391038-A-G. GRCh37 (hg19) VCF-style: chr19-1391037-A-G.
Other names: c.396A>G, p.Pro132= (NM_001363602.2).
Identifiers: ClinVar variation 2648918 (VCV002648918.24), dbSNP rs943689201, ClinGen allele CA504895171.
Genomic context (GRCh38, chr19:1,391,038, plus strand): 5'-CAGCCCGCGCCAGTCCGACGTCATGATCGTGGCCGGCACACTCACCAACAAGATGGCCCC[A>G]GCGCTTCGCAAGGTAGGCCTCGTCCCAGCCGCCCAGCCGCCCCCAGAGTGAGCTGCGCAC-3'
Protein context (NP_077718.3, residues 122-142): VAGTLTNKMA[Pro132=]ALRKVYDQMP